The following is an entry in ClinVar:

NM_001854.4(COL11A1):c.2767C>T (p.Pro923Ser)

Gene: COL11A1 (collagen type XI alpha 1 chain; minus strand). Cytogenetic location: 1p21.1.
Variant type: single nucleotide variant.
Coding change: c.2767C>T on transcript NM_001854.4 (MANE Select); coding-DNA position 2767, C replaced by T.
Protein change: p.Pro923Ser; replaces proline 923 with serine.
Molecular consequence: missense variant. On other transcripts: non-coding transcript variant (1).
Genome position (GRCh38, 1-based): chr1:102,974,871, G>A on the plus strand (C>T on the coding strand, the complement: COL11A1 is on the minus strand). VCF-style: chr1-102974871-G-A. GRCh37 (hg19) VCF-style: chr1-103440427-G-A.
Other names: c.2650C>T, p.Pro884Ser (NM_001190709.2); c.2803C>T, p.Pro935Ser (NM_080629.3); c.2419C>T, p.Pro807Ser (NM_080630.4); short protein forms P884S, P935S, P807S, P923S.
Identifiers: ClinVar variation 3669770 (VCV003669770.2).

ClinVar aggregate classification (germline): Uncertain significance (1 of 4 stars; one submission).

Submission:

Labcorp Genetics (formerly Invitae), Labcorp
Classification: Uncertain significance. Last evaluated: 2025-08-09. Review status: criteria provided, single submitter. Criteria: Invitae Variant Classification Sherloc (09022015). Collection method: clinical testing. Allele origin: germline.
Comment: This sequence change replaces proline, which is neutral and non-polar, with serine, which is neutral and polar, at codon 923 of the COL11A1 protein (p.Pro923Ser). This variant is not present in population databases (gnomAD no frequency). This variant has not been reported in the literature in individuals affected with COL11A1-related conditions. ClinVar contains an entry for this variant (Variation ID: 3669770). Invitae Evidence Modeling of protein sequence and biophysical properties (such as structural, functional, and spatial information, amino acid conservation, physicochemical variation, residue mobility, and thermodynamic stability) indicates that this missense variant is not expected to disrupt COL11A1 protein function with a negative predictive value of 80%. In summary, the available evidence is currently insufficient to determine the role of this variant in disease. Therefore, it has been classified as a Variant of Uncertain Significance.